The following is an entry in ClinVar:

ClinVar aggregate classification (germline): Pathogenic/Likely pathogenic. Review status: criteria provided, multiple submitters, no conflicts (2 of 4 stars). 5 submissions from 5 submitters: Pathogenic (3); Likely pathogenic (1). 1 of the submissions does not count toward it. Last evaluated 2025-12-04.

Conditions:
GM1 gangliosidosis type 3. Also called: GANGLIOSIDOSIS, GENERALIZED GM1, ADULT TYPE; GANGLIOSIDOSIS, GENERALIZED GM1, CHRONIC TYPE; GANGLIOSIDOSIS, GENERALIZED GM1, TYPE III; GM1-GANGLIOSIDOSIS, TYPE III; Beta-galactosidase deficiency; Adult GM1 gangliosidosis. Identifiers: Orphanet 79257, MedGen C0268273, MONDO:0009262, OMIM 230650.
GM1 gangliosidosis type 2. Also called: GANGLIOSIDOSIS, GENERALIZED GM1, JUVENILE TYPE; GANGLIOSIDOSIS, GENERALIZED GM1, TYPE II; GM1-GANGLIOSIDOSIS, TYPE II; Juvenile GM>1< gangliosidosis; Gangliosidosis, Generalized GM1, Type 2. Identifiers: Orphanet 354, Orphanet 79256, MedGen C0268272, MONDO:0009261, OMIM 230600.
Infantile GM1 gangliosidosis. Also called: GM1 gangliosidosis type 1; GM1-gangliosidosis, type I; Gangliosidosis, generalized GM1, infantile form; GLB1 deficiency; Gangliosidosis, Generalized GM1, Type 1. Identifiers: Orphanet 354, Orphanet 79255, MedGen C0268271, MONDO:0009260, OMIM 230500.
Mucopolysaccharidosis, MPS-IV-B (MPS4B). Also called: Mucopolysaccharidosis type 4B; Mucopolysaccharidosis Type IVB (Morquio B Disease); MORQUIO SYNDROME B; Mucopolysaccharidosis type IVB (Morquio); MPS IVB; Mucopolysaccharidosis type IV B. Identifiers: Orphanet 309310, Orphanet 582, MedGen C0086652, MONDO:0009660, OMIM 253010.
GLB1-related disorder. Also called: GLB1-related disorders. Identifiers: MedGen CN377807.
GM1 gangliosidosis. Identifiers: Orphanet 354, MedGen C0085131, MONDO:0018149.

gnomAD v4.1: 11 of 1,613,708 alleles (0.00068%); highest among the groups gnomAD compares: Middle Eastern, 0.017%; no homozygotes.

Submissions (5):

Women's Health and Genetics/Laboratory Corporation of America, LabCorp
Classification: Pathogenic for Infantile GM1 gangliosidosis. Last evaluated: 2025-12-04. Review status: criteria provided, single submitter. Criteria: LabCorp Variant Classification Summary - May 2015. Collection method: clinical testing. Allele origin: germline.
Comment: Variant summary: GLB1 c.1038G>C (p.Lys346Asn) results in a non-conservative amino acid change in the encoded protein sequence. Algorithms developed to predict the effect of missense changes on protein structure and function all suggest that this variant is likely to be disruptive. The variant was absent in 249536 control chromosomes. c.1038G>C has been observed in individual(s) affected with GM1 gangliosidosis (e.g. Santamaria_2006, Tebani_2022). These data indicate that the variant is likely to be associated with disease. A different variant resulting in the same amino acid consequence has been classified as likely pathogenic by our lab (c.1038G>T), supporting the pathogenicity of this variant. To our knowledge, no experimental evidence demonstrating an impact on protein function has been reported. The following publications have been ascertained in the context of this evaluation (PMID: 16941474, 33737400). ClinVar contains an entry for this variant (Variation ID: 550856). Based on the evidence outlined above, the variant was classified as pathogenic.

3billion
Classification: Likely pathogenic for GLB1-related disorder. Last evaluated: 2025-11-25. Review status: criteria provided, single submitter. Criteria: ACMG Guidelines, 2015. Collection method: clinical testing. Allele origin: germline. Affected: yes.
Comment: The variant is observed at an extremely low frequency in the gnomAD v4.1.0 dataset (total allele frequency: <0.001%). Predicted Consequence/Location: Missense variant In silico tool predictions suggest damaging effect of the variant on gene or gene product [REVEL: 0.91 (>=0.6, sensitivity 0.68 and specificity 0.92); 3Cnet: 0.99 (> 0.75, sensitivity 0.96 and precision 0.92)]. The same nucleotide change resulting in the same amino acid change has been previously reported as pathogenic/likely pathogenic with strong evidence (ClinVar ID: VCV000550856 /PMID: 16941474 /3billion dataset). Therefore, this variant is classified as Likely pathogenic according to the recommendation of ACMG/AMP guideline.

Revvity Omics, Revvity
Classification: Pathogenic. Last evaluated: 2024-10-23. Review status: criteria provided, single submitter. Criteria: ACMG Guidelines, 2015. Collection method: clinical testing. Allele origin: germline.

Labcorp Genetics (formerly Invitae), Labcorp
Classification: Pathogenic for Mucopolysaccharidosis, MPS-IV-B; GM1 gangliosidosis. Last evaluated: 2023-09-26. Review status: criteria provided, single submitter. Criteria: Invitae Variant Classification Sherloc (09022015). Collection method: clinical testing. Allele origin: germline.
Comment: This variant is not present in population databases (gnomAD no frequency). For these reasons, this variant has been classified as Pathogenic. Advanced modeling of protein sequence and biophysical properties (such as structural, functional, and spatial information, amino acid conservation, physicochemical variation, residue mobility, and thermodynamic stability) performed at Invitae indicates that this missense variant is expected to disrupt GLB1 protein function. ClinVar contains an entry for this variant (Variation ID: 550856). This missense change has been observed in individual(s) with GM1-gangliosidosis (PMID: 16941474, 19472408, 24777551). This sequence change replaces lysine, which is basic and polar, with asparagine, which is neutral and polar, at codon 346 of the GLB1 protein (p.Lys346Asn).

Counsyl
Classification: Likely pathogenic for Infantile GM1 gangliosidosis; GM1 gangliosidosis type 2; GM1 gangliosidosis type 3; Mucopolysaccharidosis, MPS-IV-B. Last evaluated: 2017-03-29. Review status: no assertion criteria provided. Collection method: clinical testing. Allele origin: unknown. Not counted in ClinVar's aggregate classification.

Literature cited by the submitters: PubMed 16941474 (cited by 4 submitters); PubMed 33737400 (cited by Women's Health and Genetics/Laboratory Corporation of America, LabCorp); PubMed 19472408 (cited by Labcorp Genetics (formerly Invitae), Labcorp and Counsyl); PubMed 24777551 (cited by Labcorp Genetics (formerly Invitae), Labcorp and Counsyl); PubMed 21520340 (cited by Counsyl).

NM_000404.4(GLB1):c.1038G>C (p.Lys346Asn)

Gene: GLB1 (galactosidase beta 1; minus strand). Cytogenetic location: 3p22.3.
Variant type: single nucleotide variant.
Coding change: c.1038G>C on transcript NM_000404.4 (MANE Select); coding-DNA position 1038, G replaced by C.
Protein change: p.Lys346Asn; replaces lysine 346 with asparagine.
Molecular consequence: missense variant.
Genome position (GRCh38, 1-based): chr3:33,046,150, C>G on the plus strand (G>C on the coding strand, the complement: GLB1 is on the minus strand). VCF-style: chr3-33046150-C-G. GRCh37 (hg19) VCF-style: chr3-33087642-C-G.
Other names: c.948G>C, p.Lys316Asn (NM_001079811.3); c.645G>C, p.Lys215Asn (NM_001135602.3); c.1182G>C, p.Lys394Asn (NM_001317040.2); c.1038G>C, p.Lys346Asn (NM_001393580.1); short protein forms K346N, K215N, K316N, K394N.
Identifiers: ClinVar variation 550856 (VCV000550856.12), dbSNP rs749980306, ClinGen allele CA351999266.